The following is an entry in ClinVar:

NM_001384474.1(LOXHD1):c.3025G>A (p.Val1009Met)

Gene: LOXHD1 (lipoxygenase homology PLAT domains 1; minus strand). Cytogenetic location: 18q21.1.
Variant type: single nucleotide variant.
Coding change: c.3025G>A on transcript NM_001384474.1 (MANE Select); coding-DNA position 3025, G replaced by A.
Protein change: p.Val1009Met; replaces valine 1009 with methionine.
Molecular consequence: missense variant.
Genome position (GRCh38, 1-based): chr18:46,560,119, C>T on the plus strand (G>A on the coding strand, the complement: LOXHD1 is on the minus strand). VCF-style: chr18-46560119-C-T. GRCh37 (hg19) VCF-style: chr18-44140082-C-T.
Other names: c.3025G>A, p.Val1009Met (NM_144612.7); short protein forms V1009M.
Identifiers: ClinVar variation 1320982 (VCV001320982.6), dbSNP rs756508090, ClinGen allele CA8952581.

ClinVar aggregate classification (germline): Uncertain significance. Review status: criteria provided, multiple submitters, no conflicts (2 of 4 stars). 4 submissions from 4 submitters: Uncertain significance (4). Last evaluated 2026-06-01.

Conditions:
LOXHD1-related disorder. Also called: LOXHD1-related condition.
Inborn genetic diseases. Identifiers: MedGen C0950123, MeSH D030342.

Allele frequency attached by ClinVar (database versions not stated): gnomAD exomes 0.00004; gnomAD 0.00005 and 0.00006; ExAC 0.00009; TOPMed 0.00012.
gnomAD v4.1: 39 of 1,547,786 alleles (0.0025%); highest among the groups gnomAD compares: African/African-American, 0.015%; no homozygotes.

Submissions (4):

PreventionGenetics, part of Exact Sciences
Classification: Uncertain significance for LOXHD1-related condition. Last evaluated: 2026-06-01. Review status: criteria provided, single submitter. Criteria: ACMG Guidelines, 2015. Collection method: clinical testing. Allele origin: germline.
Comment: The LOXHD1 c.3025G>A variant is predicted to result in the amino acid substitution p.Val1009Met. To our knowledge, this variant has not been reported in the literature. This variant is reported in 0.029% of alleles in individuals of African descent in gnomAD. At this time, the clinical significance of this variant is uncertain due to the absence of conclusive functional and genetic evidence.

GeneDx
Classification: Uncertain significance. Last evaluated: 2023-03-30. Review status: criteria provided, single submitter. Criteria: GeneDx Variant Classification Process June 2021. Collection method: clinical testing. Allele origin: germline. Affected: yes.
Comment: In silico analysis supports that this missense variant does not alter protein structure/function; Has not been previously published as pathogenic or benign to our knowledge

Ambry Genetics
Classification: Uncertain significance for Inborn genetic diseases. Last evaluated: 2022-06-10. Review status: criteria provided, single submitter. Criteria: Ambry Variant Classification Scheme 2023. Collection method: clinical testing. Allele origin: germline.

Labcorp Genetics (formerly Invitae), Labcorp
Classification: Uncertain significance. Last evaluated: 2022-04-22. Review status: criteria provided, single submitter. Criteria: Invitae Variant Classification Sherloc (09022015). Collection method: clinical testing. Allele origin: germline.
Comment: This sequence change replaces valine, which is neutral and non-polar, with methionine, which is neutral and non-polar, at codon 1009 of the LOXHD1 protein (p.Val1009Met). This variant is present in population databases (rs756508090, gnomAD 0.03%). This variant has not been reported in the literature in individuals affected with LOXHD1-related conditions. ClinVar contains an entry for this variant (Variation ID: 1320982). Algorithms developed to predict the effect of missense changes on protein structure and function output the following: SIFT: "Deleterious"; PolyPhen-2: "Possibly Damaging"; Align-GVGD: "Class C0". The methionine amino acid residue is found in multiple mammalian species, which suggests that this missense change does not adversely affect protein function. In summary, the available evidence is currently insufficient to determine the role of this variant in disease. Therefore, it has been classified as a Variant of Uncertain Significance.